The following is an entry in ClinVar:

NM_000441.2(SLC26A4):c.1970G>A (p.Ser657Asn)

Gene: SLC26A4 (solute carrier family 26 member 4; plus strand). Cytogenetic location: 7q22.3.
Variant type: single nucleotide variant.
Coding change: c.1970G>A on transcript NM_000441.2 (MANE Select); coding-DNA position 1970, G replaced by A.
Protein change: p.Ser657Asn; replaces serine 657 with asparagine.
Molecular consequence: missense variant.
Genome position (GRCh38, 1-based): chr7:107,701,993, G>A. VCF-style: chr7-107701993-G-A. GRCh37 (hg19) VCF-style: chr7-107342438-G-A.
Other names: short protein forms S657N.
Identifiers: ClinVar variation 691516 (VCV000691516.3), dbSNP rs1584337228, ClinGen allele CA368843741.
Genomic context (GRCh38, chr7:107,701,993, plus strand): 5'-AAGTGGATTGGAACTCTGAGCTTCCAGTCAAAGTGAACGTTCCCAAAGTGCCAATCCATA[G>A]CCTTGTGCTTGACTGTGGAGCTATATCTTTCCTGGACGTTGTTGGAGTGAGATCACTGCG-3'
Protein context (NP_000432.1, residues 647-667): KVNVPKVPIH[Ser657Asn]LVLDCGAISF

ClinVar aggregate classification (germline): Affects (0 of 4 stars; one submission).

Conditions:
Autosomal recessive nonsyndromic hearing loss 4 (DFNB4). Also called: Deafness, autosomal recessive 4; FOXI1-Related Pendred Syndrome; KCNJ10-Related Pendred Syndrome; DEAFNESS, AUTOSOMAL RECESSIVE 4, WITH ENLARGED VESTIBULAR AQUEDUCT, DIGENIC; Deafness, autosomal recessive 4, with enlarged vestibular aqueduct; Enlarged vestibular aqueduct, digenic. Identifiers: Orphanet 90636, MedGen C3538946, MONDO:0010933, OMIM 600791.

Submission:

National Institute of Sensory Organs, National Hospital Organization Tokyo Medical Center
Classification: Affects for Autosomal recessive nonsyndromic hearing loss 4. Last evaluated: 2019-08-20. Review status: no assertion criteria provided. Collection method: literature only, in vitro. Allele origin: germline. Inheritance: Autosomal recessive inheritance. Affected: yes. Functional consequence: loss_of_function_variant.
Comment: in vitro experiment

Literature cited by the submitters: PubMed 11905055; PubMed 20826203; PubMed 31599023.